The following is an entry in ClinVar:

NM_020532.5(RTN4):c.1626C>T (p.Val542=)

Gene: RTN4 (reticulon 4; minus strand). Cytogenetic location: 2p16.1.
Variant type: single nucleotide variant.
Coding change: c.1626C>T on transcript NM_020532.5 (MANE Select); coding-DNA position 1626, C replaced by T.
Protein change: p.Val542=; no amino-acid change (valine 542 retained).
Molecular consequence: synonymous variant. On other transcripts: intron variant (2).
Genome position (GRCh38, 1-based): chr2:55,026,473, G>A on the plus strand (C>T on the coding strand, the complement: RTN4 is on the minus strand). VCF-style: chr2-55026473-G-A. GRCh37 (hg19) VCF-style: chr2-55253609-G-A.
Other names: c.1008C>T, p.Val336= (NM_001321859.2, NM_001321860.1, NM_001321861.2 and 4 more transcripts); c.556+23272C>T (NM_153828.3); c.613+1691C>T (NM_207520.2).
Identifiers: ClinVar variation 2650941 (VCV002650941.24), dbSNP rs138638032, ClinGen allele CA1663344.

ClinVar aggregate classification (germline): Likely benign (1 of 4 stars; one submission).

Allele frequency attached by ClinVar (database versions not stated): ESP Exome Variant Server 0.00015; TOPMed 0.00024; 1000 Genomes Project 0.00120; 1000 Genomes Project 30x 0.00125.
gnomAD v4.1: 192 of 1,613,834 alleles (0.012%); highest among the groups gnomAD compares: East Asian, 0.32%; no homozygotes.

Submission:

CeGaT Center for Human Genetics Tuebingen
Classification: Likely benign. Last evaluated: 2023-03-01. Review status: criteria provided, single submitter. Criteria: CeGaT Center For Human Genetics Tuebingen Variant Classification Criteria Version 2. Collection method: clinical testing. Allele origin: germline. Affected: yes. Observed: 1 variant allele.
Comment: RTN4: BP4, BP7